The following is an entry in ClinVar:

NM_032408.4(BAZ1B):c.3570T>A (p.Cys1190Ter)

Gene: BAZ1B (bromodomain adjacent to zinc finger domain 1B; minus strand). Cytogenetic location: 7q11.23.
Variant type: single nucleotide variant.
Coding change: c.3570T>A on transcript NM_032408.4 (MANE Select); coding-DNA position 3570, T replaced by A.
Protein change: p.Cys1190Ter; replaces cysteine 1190 with a stop codon.
Molecular consequence: nonsense.
Genome position (GRCh38, 1-based): chr7:73,450,857, A>T on the plus strand (T>A on the coding strand, the complement: BAZ1B is on the minus strand). VCF-style: chr7-73450857-A-T. GRCh37 (hg19) VCF-style: chr7-72865187-A-T.
Other names: c.3570T>A, p.Cys1190Ter (NM_001370402.1); short protein forms C1190*.
Identifiers: ClinVar variation 2632356 (VCV002632356.1), dbSNP rs2484776437, ClinGen allele CA367794222.

ClinVar aggregate classification (germline): Uncertain significance (1 of 4 stars; one submission).

Conditions:
BAZ1B-related disorder. Also called: BAZ1B-related condition.

Submission:

PreventionGenetics, part of Exact Sciences
Classification: Uncertain significance for BAZ1B-related condition. Last evaluated: 2023-05-21. Review status: criteria provided, single submitter. Criteria: ACMG Guidelines, 2015. Collection method: clinical testing. Allele origin: germline.
Comment: The BAZ1B c.3570T>A variant is predicted to result in premature protein termination (p.Cys1190*). To our knowledge, this variant has not been reported in the literature or in a large population database, indicating this variant is rare. At this time, the clinical significance of this variant is uncertain due to the absence of conclusive functional and genetic evidence.